The following is an entry in ClinVar:

ClinVar aggregate classification (germline): Pathogenic. Review status: criteria provided, multiple submitters, no conflicts (2 of 4 stars). 3 submissions from 3 submitters: Pathogenic (3). Last evaluated 2025-10-24.

Conditions:
Hereditary cancer-predisposing syndrome. Also called: Hereditary neoplastic syndrome; Hereditary Cancer Syndrome; Neoplastic Syndromes, Hereditary; Tumor predisposition. Identifiers: Orphanet 140162, MedGen C0027672, MeSH D009386, MONDO:0015356.
Ataxia-telangiectasia syndrome (AT). Also called: Cerebello-oculocutaneous telangiectasia; Immunodeficiency with ataxia telangiectasia; AT, COMPLEMENTATION GROUP C; Ataxia-telangiectasia, complementation group E; LOUIS-BAR SYNDROME; ATAXIA-TELANGIECTASIA, COMPLEMENTATION GROUP A. Identifiers: Orphanet 100, MedGen C0004135, MONDO:0008840, OMIM 208900.
Familial cancer of breast. Also called: Hereditary breast cancer; BREAST CANCER, FAMILIAL; hereditary breast carcinoma. Identifiers: Orphanet 227535, MedGen C0346153, MONDO:0016419, OMIM 114480. Disease mechanism: loss of function.

Submissions (3):

Ambry Genetics
Classification: Pathogenic for Hereditary cancer-predisposing syndrome. Last evaluated: 2025-10-24. Review status: criteria provided, single submitter. Criteria: Ambry Variant Classification Scheme 2023. Collection method: clinical testing. Allele origin: germline.
Comment: The c.540delA pathogenic mutation, located in coding exon 5 of the ATM gene, results from a deletion of one nucleotide at nucleotide position 540, causing a translational frameshift with a predicted alternate stop codon (p.D181Mfs*6). This alteration is expected to result in loss of function by premature protein truncation or nonsense-mediated mRNA decay. As such, this alteration is interpreted as a disease-causing mutation.

Myriad Genetics, Inc.
Classification: Pathogenic for Familial cancer of breast. Last evaluated: 2025-02-07. Review status: criteria provided, single submitter. Criteria: Myriad Autosomal Dominant, Autosomal Recessive and X-Linked Classification Criteria (2023). Collection method: clinical testing. Allele origin: unknown.
Comment: This variant is considered pathogenic. This variant creates a frameshift predicted to result in premature protein truncation.

Labcorp Genetics (formerly Invitae), Labcorp
Classification: Pathogenic for Ataxia-telangiectasia syndrome. Last evaluated: 2021-12-24. Review status: criteria provided, single submitter. Criteria: Invitae Variant Classification Sherloc (09022015). Collection method: clinical testing. Allele origin: germline.
Comment: This sequence change creates a premature translational stop signal (p.Asp181Metfs*6) in the ATM gene. It is expected to result in an absent or disrupted protein product. Loss-of-function variants in ATM are known to be pathogenic (PMID: 23807571, 25614872). This variant is present in population databases (no rsID available, gnomAD 0.002%). This variant has not been reported in the literature in individuals affected with ATM-related conditions. Algorithms developed to predict the effect of sequence changes on RNA splicing suggest that this variant may create or strengthen a splice site. For these reasons, this variant has been classified as Pathogenic.

Literature cited by the submitters: PubMed 23807571 (cited by Labcorp Genetics (formerly Invitae), Labcorp); PubMed 25614872 (cited by Labcorp Genetics (formerly Invitae), Labcorp).

NM_000051.4(ATM):c.540del (p.Asp181fs)

Gene: ATM (ATM serine/threonine kinase; plus strand). Cytogenetic location: 11q22.3.
Variant type: Deletion.
Coding change: c.540del on transcript NM_000051.4 (MANE Select); coding-DNA position 540, one base deleted (A; older notation c.540delA).
Protein change: p.Asp181fs; shifts the reading frame from aspartic acid 181.
Molecular consequence: frameshift variant.
Genome position (GRCh38, 1-based): chr11:108,243,996, A deleted; the last of 2 consecutive A bases (chr11:108,243,995-108,243,996); deleting either gives the same sequence. VCF-style (leftmost placement, unchanged base first): chr11-108243994-CA-C. GRCh37 (hg19) VCF-style: chr11-108114721-CA-C.
Other names: c.540del, p.Asp181fs (NM_001351834.2); short protein forms D181fs.
Identifiers: ClinVar variation 1371318 (VCV001371318.10), dbSNP rs1565369355, ClinGen allele CA602132537.